The following is an entry in ClinVar:

ClinVar aggregate classification (germline): Uncertain significance (1 of 4 stars; one submission).

Conditions:
Autosomal dominant nocturnal frontal lobe epilepsy 5. Also called: KCNT1-Related Epilepsy; CILIARY DYSKINESIA, PRIMARY, 28, WITHOUT SITUS INVERSUS; CILIARY DYSKINESIA, PRIMARY, 28, WITH SITUS INVERSUS; Epilepsy, nocturnal frontal lobe, 5. Identifiers: Orphanet 98784, MedGen C3554306, MONDO:0014002, OMIM 615005.
Developmental and epileptic encephalopathy, 14 (DEE14). Also called: Early infantile epileptic encephalopathy 14. Identifiers: Orphanet 293181, MedGen C3554195, MONDO:0013989, OMIM 614959.

Allele frequency attached by ClinVar (database versions not stated): gnomAD exomes below 0.00001 and 0.00001; ExAC 0.00001.
gnomAD v4.1: 9 of 1,592,092 alleles (0.00057%); highest among the groups gnomAD compares: African/African-American, 0.0013%; no homozygotes.

Submission:

Labcorp Genetics (formerly Invitae), Labcorp
Classification: Uncertain significance for Autosomal dominant nocturnal frontal lobe epilepsy 5; Developmental and epileptic encephalopathy, 14. Last evaluated: 2025-12-19. Review status: criteria provided, single submitter. Criteria: Invitae Variant Classification Sherloc (09022015). Collection method: clinical testing. Allele origin: germline.
Comment: This sequence change replaces glutamic acid, which is acidic and polar, with lysine, which is basic and polar, at codon 541 of the KCNT1 protein (p.Glu541Lys). This variant is present in population databases (rs753040489, gnomAD 0.001%). This variant has not been reported in the literature in individuals affected with KCNT1-related conditions. This missense change has been observed in at least one individual who was not affected with KCNT1-related conditions (internal data). ClinVar contains an entry for this variant (Variation ID: 1002108). An algorithm developed to predict the effect of missense changes on protein structure and function (PolyPhen-2) suggests that this variant is likely to be tolerated. In summary, the available evidence is currently insufficient to determine the role of this variant in disease. Therefore, it has been classified as a Variant of Uncertain Significance.

NM_020822.3(KCNT1):c.1621G>A (p.Glu541Lys)

Gene: KCNT1 (potassium sodium-activated channel subfamily T member 1; plus strand). Cytogenetic location: 9q34.3.
Variant type: single nucleotide variant.
Coding change: c.1621G>A on transcript NM_020822.3 (MANE Select); coding-DNA position 1621, G replaced by A.
Protein change: p.Glu541Lys; replaces glutamic acid 541 with lysine.
Molecular consequence: missense variant.
Genome position (GRCh38, 1-based): chr9:135,770,299, G>A. VCF-style: chr9-135770299-G-A. GRCh37 (hg19) VCF-style: chr9-138662145-G-A.
Other names: c.1486G>A, p.Glu496Lys (NM_001272003.2); short protein forms E496K, E541K.
Identifiers: ClinVar variation 1002108 (VCV001002108.9), dbSNP rs753040489, ClinGen allele CA5327011.